The following is an entry in ClinVar:

NM_015450.3(POT1):c.1156C>A (p.His386Asn)

Gene: POT1 (protection of telomeres 1; minus strand). Cytogenetic location: 7q31.33.
Variant type: single nucleotide variant.
Coding change: c.1156C>A on transcript NM_015450.3 (MANE Select); coding-DNA position 1156, C replaced by A.
Protein change: p.His386Asn; replaces histidine 386 with asparagine.
Molecular consequence: missense variant. On other transcripts: non-coding transcript variant (3).
Genome position (GRCh38, 1-based): chr7:124,842,814, G>T on the plus strand (C>A on the coding strand, the complement: POT1 is on the minus strand). VCF-style: chr7-124842814-G-T. GRCh37 (hg19) VCF-style: chr7-124482868-G-T.
Other names: c.763C>A, p.His255Asn (NM_001042594.2); short protein forms H386N, H255N.
Identifiers: ClinVar variation 475024 (VCV000475024.11), dbSNP rs1168740597, ClinGen allele CA369068089.
Genomic context (GRCh38, chr7:124,842,814, plus strand): 5'-CATATACACACAAATAATATGAAAACGTTTGTTTTATTATGGAAAATACTCACAGCAAAT[G>T]ACATTTAGGGCAATGAAGTTTAACAGACTGAAATAGTCTTCTGGGCTTATATGACCTCAA-3'
Protein context (NP_056265.2, residues 376-396): QSVKLHCPKC[His386Asn]LLQEVPHEGD

ClinVar aggregate classification (germline): Uncertain significance. Review status: criteria provided, multiple submitters, no conflicts (2 of 4 stars). 3 submissions from 3 submitters: Uncertain significance (3). Last evaluated 2025-08-16.

Conditions:
Tumor predisposition syndrome 3 (TPDS3). Also called: Glioma susceptibility 9; LONG TELOMERE SYNDROME, POT1-RELATED; POT1 Tumor Predisposition; Melanoma, cutaneous malignant, susceptibility to, 10. Identifiers: Orphanet 618, MedGen C4014476, MONDO:0014368, OMIM 615848.
Hereditary cancer-predisposing syndrome. Also called: Hereditary neoplastic syndrome; Hereditary Cancer Syndrome; Neoplastic Syndromes, Hereditary; Tumor predisposition. Identifiers: Orphanet 140162, MedGen C0027672, MeSH D009386, MONDO:0015356.

Allele frequency attached by ClinVar (database versions not stated): TOPMed 0.00002.
gnomAD v4.1: 5 of 1,596,148 alleles (0.00031%); highest among the groups gnomAD compares: African/African-American, 0.0054%; no homozygotes.

Submissions (3):

Labcorp Genetics (formerly Invitae), Labcorp
Classification: Uncertain significance for Tumor predisposition syndrome 3. Last evaluated: 2025-08-16. Review status: criteria provided, single submitter. Criteria: Invitae Variant Classification Sherloc (09022015). Collection method: clinical testing. Allele origin: germline.
Comment: This sequence change replaces histidine, which is basic and polar, with asparagine, which is neutral and polar, at codon 386 of the POT1 protein (p.His386Asn). This variant is not present in population databases (gnomAD no frequency). This variant has not been reported in the literature in individuals affected with POT1-related conditions. ClinVar contains an entry for this variant (Variation ID: 475024). Invitae Evidence Modeling of protein sequence and biophysical properties (such as structural, functional, and spatial information, amino acid conservation, physicochemical variation, residue mobility, and thermodynamic stability) indicates that this missense variant is not expected to disrupt POT1 protein function with a negative predictive value of 80%. In summary, the available evidence is currently insufficient to determine the role of this variant in disease. Therefore, it has been classified as a Variant of Uncertain Significance.

Ambry Genetics
Classification: Uncertain significance for Hereditary cancer-predisposing syndrome. Last evaluated: 2024-11-14. Review status: criteria provided, single submitter. Criteria: Ambry Variant Classification Scheme 2023. Collection method: clinical testing. Allele origin: germline.
Comment: The p.H386N variant (also known as c.1156C>A), located in coding exon 9 of the POT1 gene, results from a C to A substitution at nucleotide position 1156. The histidine at codon 386 is replaced by asparagine, an amino acid with similar properties. This amino acid position is conserved. In addition, this alteration is predicted to be tolerated by in silico analysis. Since supporting evidence is limited at this time, the clinical significance of this alteration remains unclear.

GeneDx
Classification: Uncertain significance. Last evaluated: 2020-08-24. Review status: criteria provided, single submitter. Criteria: GeneDx Variant Classification Process June 2021. Collection method: clinical testing. Allele origin: germline. Affected: yes.
Comment: Not observed in large population cohorts (Lek et al., 2016); In silico analysis supports that this missense variant does not alter protein structure/function; Has not been previously published as pathogenic or benign to our knowledge